The following is an entry in ClinVar:

NM_001267550.2(TTN):c.93387C>T (p.Ser31129=)

Genes: TTN (titin; minus strand), TTN-AS1 (TTN antisense RNA 1; plus strand). Cytogenetic location: 2q31.2.
Variant type: single nucleotide variant.
Coding change: c.93387C>T on transcript NM_001267550.2 (MANE Select); coding-DNA position 93387, C replaced by T.
Protein change: p.Ser31129=; no amino-acid change (serine 31129 retained).
Molecular consequence: synonymous variant.
Genome position (GRCh38, 1-based): chr2:178,548,239, G>A on the plus strand (C>T on the coding strand, the complement: TTN is on the minus strand). VCF-style: chr2-178548239-G-A. GRCh37 (hg19) VCF-style: chr2-179412966-G-A.
Other names: p.S29488S:TCC>TCT; p.Ser28561=; c.88464C>T, p.Ser29488= (NM_001256850.1); c.66192C>T, p.Ser22064= (NM_003319.4); c.85683C>T, p.Ser28561= (NM_133378.4); c.66567C>T, p.Ser22189= (NM_133432.3); c.66768C>T, p.Ser22256= (NM_133437.4).
Identifiers: ClinVar variation 47532 (VCV000047532.49), dbSNP rs35445420, ClinGen allele CA284070.
Genomic context (GRCh38, chr2:178,548,239, plus strand): 5'-CAGGTAGCCAGTGATCCGGCTGCCTCCATCGTGGTCAGGTTTAAGCCAAGCTAAGACTGC[G>A]GAGGATTTGCTAGTATCAACAACATCAAGTCTCCTAGGTGGAGCAGGCTGTTCTGTGGCT-3'
Protein context (NP_001254479.2, residues 31119-31139): RLDVVDTSKS[Ser31129=]AVLAWLKPDH

ClinVar aggregate classification (germline): Benign/Likely benign. Review status: criteria provided, multiple submitters, no conflicts (2 of 4 stars). 26 submissions from 19 submitters: Benign (18); Likely benign (4). 4 of the submissions do not count toward it. Last evaluated 2026-02-04.

Conditions:
Dilated cardiomyopathy 1G (CMD1G). Identifiers: Orphanet 154, MedGen C1858763, MONDO:0011400, OMIM 604145.
Autosomal recessive limb-girdle muscular dystrophy type 2J (LGMDR10). Also called: MUSCULAR DYSTROPHY, LIMB-GIRDLE, AUTOSOMAL RECESSIVE 10; Limb-girdle muscular dystrophy, type 2J. Identifiers: Orphanet 140922, MedGen C1837342, MONDO:0012127, OMIM 608807.
Cardiovascular phenotype. Identifiers: MedGen CN230736.
Early-onset myopathy with fatal cardiomyopathy (CMYO5). Also called: CONGENITAL MYOPATHY 5 WITH CARDIOMYOPATHY; Salih Myopathy. Identifiers: Orphanet 289377, MedGen C2673677, MONDO:0012714, OMIM 611705. Disease mechanism: loss of function.
Tibial muscular dystrophy (TMD). Also called: Udd Distal Myopathy – Tibial Muscular Dystrophy; Tibial muscular dystrophy, tardive; UDD MYOPATHY. Identifiers: Orphanet 609, MedGen C1838244, MONDO:0010870, OMIM 600334.
Myopathy, myofibrillar, 9, with early respiratory failure (MFM9). Also called: Myopathy, distal, with early respiratory failure, autosomal dominant; Hereditary myopathy with early respiratory failure; MYOPATHY, PROXIMAL, WITH EARLY RESPIRATORY MUSCLE INVOLVEMENT; EDSTROM MYOPATHY. Identifiers: Orphanet 178464, Orphanet 34521, MedGen C1863599, MONDO:0011362, OMIM 603689.

Allele frequency attached by ClinVar (database versions not stated): gnomAD 0.01926 and 0.02143; gnomAD exomes 0.01999; TOPMed 0.02042; 1000 Genomes Project 0.00899; ESP Exome Variant Server 0.02038; 1000 Genomes Project 30x 0.00874; ExAC 0.02132.
gnomAD v4.1: 39,698 of 1,613,804 alleles (2.5%); highest among the groups gnomAD compares: Non-Finnish European, 2.9%; 631 homozygotes.

Submissions (26):

Labcorp Genetics (formerly Invitae), Labcorp
Classification: Benign for Dilated cardiomyopathy 1G; Autosomal recessive limb-girdle muscular dystrophy type 2J. Last evaluated: 2026-02-04. Review status: criteria provided, single submitter. Criteria: Invitae Variant Classification Sherloc (09022015). Collection method: clinical testing. Allele origin: germline.

ARUP Laboratories, Molecular Genetics and Genomics, ARUP Laboratories
Classification: Benign. Last evaluated: 2025-07-08. Review status: criteria provided, single submitter. Criteria: ARUP Molecular Germline Variant Investigation Process 2024. Collection method: clinical testing. Allele origin: germline.

Molecular Diagnostic Laboratory for Inherited Cardiovascular Disease, Montreal Heart Institute
Classification: Benign. Last evaluated: 2025-04-09. Review status: criteria provided, single submitter. Criteria: ACMG Guidelines, 2015. Collection method: clinical testing. Allele origin: germline. Affected: no.

Blueprint Genetics
Classification: Likely benign. Last evaluated: 2024-11-26. Review status: criteria provided, single submitter. Criteria: ACMG Guidelines, 2015. Collection method: clinical testing. Allele origin: germline.

Genome-Nilou Lab
Classification: Benign for Autosomal recessive limb-girdle muscular dystrophy type 2J. Last evaluated: 2021-09-10. Review status: criteria provided, single submitter. Criteria: ACMG Guidelines, 2015. Collection method: clinical testing. Allele origin: germline. Affected: no.

Genome-Nilou Lab
Classification: Benign for Myopathy, myofibrillar, 9, with early respiratory failure. Last evaluated: 2021-09-10. Review status: criteria provided, single submitter. Criteria: ACMG Guidelines, 2015. Collection method: clinical testing. Allele origin: germline. Affected: no.

Genome-Nilou Lab
Classification: Benign for Early-onset myopathy with fatal cardiomyopathy. Last evaluated: 2021-09-10. Review status: criteria provided, single submitter. Criteria: ACMG Guidelines, 2015. Collection method: clinical testing. Allele origin: germline. Affected: no.

Genome-Nilou Lab
Classification: Benign for Tibial muscular dystrophy. Last evaluated: 2021-09-10. Review status: criteria provided, single submitter. Criteria: ACMG Guidelines, 2015. Collection method: clinical testing. Allele origin: germline. Affected: no.

Women's Health and Genetics/Laboratory Corporation of America, LabCorp
Classification: Benign. Last evaluated: 2019-11-06. Review status: criteria provided, single submitter. Criteria: LabCorp Variant Classification Summary - May 2015. Collection method: clinical testing. Allele origin: germline.
Comment: Variant summary: TTN c.85683C>T alters a non-conserved nucleotide resulting in a synonymous change. 5/5 computational tools predict no significant impact on normal splicing. However, these predictions have yet to be confirmed by functional studies. The variant allele was found at a frequency of 0.02 in 248470 control chromosomes, predominantly at a frequency of 0.031 within the Non-Finnish European subpopulation in the gnomAD database, including 55 homozygotes. The observed variant frequency within Non-Finnish European control individuals in the gnomAD database is approximately 50-folds over the estimated maximal expected allele frequency for a pathogenic variant in TTN causing Cardiomyopathy phenotype (0.00063), strongly suggesting that the variant is a benign polymorphism found primarily in populations of Non-Finnish European origin. To our knowledge, no occurrence of c.85683C>T in individuals affected with Cardiomyopathy and no experimental evidence demonstrating its impact on protein function have been reported. Two ClinVar submissions (evaluation after 2014) cite the variant once as likely benign and once as benign. Based on the evidence outlined above, the variant was classified as benign.

Athena Diagnostics
Classification: Benign. Last evaluated: 2019-02-26. Review status: criteria provided, single submitter. Criteria: Athena Diagnostics Criteria. Collection method: clinical testing. Allele origin: germline.

Illumina Laboratory Services, Illumina
Classification: Likely benign for Dilated cardiomyopathy 1G. Last evaluated: 2018-01-12. Review status: criteria provided, single submitter. Criteria: ICSL Variant Classification Criteria 13 December 2019. Collection method: clinical testing. Allele origin: germline.
Comment: This variant was observed in the ICSL laboratory as part of a predisposition screen in an ostensibly healthy population. It had not been previously curated by ICSL or reported in the Human Gene Mutation Database (HGMD: prior to June 1st, 2018), and was therefore a candidate for classification through an automated scoring system. Utilizing variant allele frequency, disease prevalence and penetrance estimates, and inheritance mode, an automated score was calculated to assess if this variant is too frequent to cause the disease. Based on the score and internal cut-off values, a variant classified as likely benign is not then subjected to further curation. The score for this variant resulted in a classification of likely benign for this disease.

Illumina Laboratory Services, Illumina
Classification: Benign for Myopathy, myofibrillar, 9, with early respiratory failure. Last evaluated: 2018-01-12. Review status: criteria provided, single submitter. Criteria: ICSL Variant Classification Criteria 13 December 2019. Collection method: clinical testing. Allele origin: germline.
Comment: This variant was observed in the ICSL laboratory as part of a predisposition screen in an ostensibly healthy population. It had not been previously curated by ICSL or reported in the Human Gene Mutation Database (HGMD: prior to June 1st, 2018), and was therefore a candidate for classification through an automated scoring system. Utilizing variant allele frequency, disease prevalence and penetrance estimates, and inheritance mode, an automated score was calculated to assess if this variant is too frequent to cause the disease. Based on the score and internal cut-off values, a variant classified as benign is not then subjected to further curation. The score for this variant resulted in a classification of benign for this disease.

Illumina Laboratory Services, Illumina
Classification: Benign for Tibial muscular dystrophy. Last evaluated: 2018-01-12. Review status: criteria provided, single submitter. Criteria: ICSL Variant Classification Criteria 13 December 2019. Collection method: clinical testing. Allele origin: germline.
Comment: the same text as in the submission from Illumina Laboratory Services, Illumina above.

Illumina Laboratory Services, Illumina
Classification: Benign for Early-onset myopathy with fatal cardiomyopathy. Last evaluated: 2018-01-12. Review status: criteria provided, single submitter. Criteria: ICSL Variant Classification Criteria 13 December 2019. Collection method: clinical testing. Allele origin: germline.
Comment: the same text as in the submission from Illumina Laboratory Services, Illumina above.

Illumina Laboratory Services, Illumina
Classification: Likely benign for Autosomal recessive limb-girdle muscular dystrophy type 2J. Last evaluated: 2018-01-12. Review status: criteria provided, single submitter. Criteria: ICSL Variant Classification Criteria 13 December 2019. Collection method: clinical testing. Allele origin: germline.
Comment: the same text as in the submission from Illumina Laboratory Services, Illumina above.

Mayo Clinic Laboratories, Mayo Clinic
Classification: Benign. Last evaluated: 2017-12-06. Review status: criteria provided, single submitter. Criteria: ACMG Guidelines, 2015. Collection method: clinical testing. Allele origin: germline. Observed: 89 variant alleles.

GeneDx
Classification: Benign. Last evaluated: 2013-11-11. Review status: criteria provided, single submitter. Criteria: GeneDx Variant Classification (06012015). Collection method: clinical testing. Allele origin: germline. Affected: yes.
Comment: This variant is considered likely benign or benign based on one or more of the following criteria: it is a conservative change, it occurs at a poorly conserved position in the protein, it is predicted to be benign by multiple in silico algorithms, and/or has population frequency not consistent with disease.

Genetic Services Laboratory, University of Chicago
Classification: Benign for AllHighlyPenetrant. Last evaluated: 2013-08-15. Review status: criteria provided, single submitter. Criteria: ACMG Guidelines, 2007. Collection method: clinical testing. Allele origin: germline.

Ambry Genetics
Classification: Benign for Cardiovascular phenotype. Last evaluated: 2012-10-03. Review status: criteria provided, single submitter. Criteria: Ambry Autosomal Dominant and X-Linked criteria (10/2015). Collection method: clinical testing. Allele origin: germline. Observed: 1 variant allele.

Laboratory for Molecular Medicine, Mass General Brigham Personalized Medicine
Classification: Benign. Last evaluated: 2012-04-19. Review status: criteria provided, single submitter. Criteria: LMM Criteria. Collection method: clinical testing. Allele origin: germline. Observed: 84 variant alleles.

Breakthrough Genomics
Classification: Likely benign. Review status: criteria provided, single submitter. Criteria: ACMG Guidelines, 2015. Collection method: not provided. Allele origin: germline. Inheritance: Autosomal recessive inheritance. Affected: yes.

PreventionGenetics, part of Exact Sciences
Classification: Benign. Review status: criteria provided, single submitter. Criteria: ACMG Guidelines, 2015. Collection method: clinical testing. Allele origin: germline.

Clinical Genetics, Academic Medical Center
Classification: Benign. Review status: no assertion criteria provided. Collection method: clinical testing. Allele origin: germline. Affected: yes. Study: VKGL Data-share Consensus. Not counted in ClinVar's aggregate classification.

Diagnostic Laboratory, Department of Genetics, University Medical Center Groningen
Classification: Likely benign. Review status: no assertion criteria provided. Collection method: clinical testing. Allele origin: germline. Affected: yes. Study: VKGL Data-share Consensus. Not counted in ClinVar's aggregate classification.

Joint Genome Diagnostic Labs from Nijmegen and Maastricht, Radboudumc and MUMC+
Classification: Benign. Review status: no assertion criteria provided. Collection method: clinical testing. Allele origin: germline. Affected: yes. Study: VKGL Data-share Consensus. Not counted in ClinVar's aggregate classification.

Laboratory of Diagnostic Genome Analysis, Leiden University Medical Center (LUMC)
Classification: Likely benign. Review status: no assertion criteria provided. Collection method: clinical testing. Allele origin: germline. Affected: yes. Study: VKGL Data-share Consensus. Not counted in ClinVar's aggregate classification.